The following is an entry in ClinVar:

NM_021098.3(CACNA1H):c.6547A>G (p.Arg2183Gly)

Gene: CACNA1H (calcium voltage-gated channel subunit alpha1 H; plus strand). Cytogenetic location: 16p13.3.
Variant type: single nucleotide variant.
Coding change: c.6547A>G on transcript NM_021098.3 (MANE Select); coding-DNA position 6547, A replaced by G.
Protein change: p.Arg2183Gly; replaces arginine 2183 with glycine.
Molecular consequence: missense variant.
Genome position (GRCh38, 1-based): chr16:1,220,479, A>G. VCF-style: chr16-1220479-A-G. GRCh37 (hg19) VCF-style: chr16-1270479-A-G.
Other names: c.6547A>G (NM_021098.2); c.6529A>G, p.Arg2177Gly (NM_001005407.2); short protein forms R2177G, R2183G.
Identifiers: ClinVar variation 1985736 (VCV001985736.7), dbSNP rs947765272, ClinGen allele CA276614134.
Genomic context (GRCh38, chr16:1,220,479, plus strand): 5'-GGGGAGCCTGGGGAGGCGAAGGCCTGGGGCCCTGAGGCCGAGCCCGCTCTGGGTGCGCGC[A>G]GAAAGAAGAAGATGAGCCCCCCCTGCATCTCGGTGGAACCCCCTGCGGAGGACGAGGGCT-3'
Protein context (NP_066921.2, residues 2173-2193): PEAEPALGAR[Arg2183Gly]KKKMSPPCIS

ClinVar aggregate classification (germline): Uncertain significance. Review status: criteria provided, multiple submitters, no conflicts (2 of 4 stars). 4 submissions from 4 submitters: Uncertain significance (4). Last evaluated 2026-01-21.

Conditions:
CACNA1H-related disorder.
Idiopathic generalized epilepsy. Also called: EIG; Generalised epilepsy. Identifiers: MedGen C0270850, MONDO:0005579, OMIM 600669.
Hyperaldosteronism, familial, type IV (HALD4). Also called: FH IV; ALDOSTERONISM, PRIMARY, AND HYPERTENSION. Identifiers: Orphanet 642671, MedGen C4310756, MONDO:0014875, OMIM 617027.
Inborn genetic diseases. Identifiers: MedGen C0950123, MeSH D030342.

Submissions (4):

Labcorp Genetics (formerly Invitae), Labcorp
Classification: Uncertain significance for Idiopathic generalized epilepsy; Hyperaldosteronism, familial, type IV. Last evaluated: 2026-01-21. Review status: criteria provided, single submitter. Criteria: Invitae Variant Classification Sherloc (09022015). Collection method: clinical testing. Allele origin: germline.
Comment: This sequence change replaces arginine, which is basic and polar, with glycine, which is neutral and non-polar, at codon 2183 of the CACNA1H protein (p.Arg2183Gly). This variant is not present in population databases (gnomAD no frequency). This variant has not been reported in the literature in individuals affected with CACNA1H-related conditions. ClinVar contains an entry for this variant (Variation ID: 1985736). Invitae Evidence Modeling of protein sequence and biophysical properties (such as structural, functional, and spatial information, amino acid conservation, physicochemical variation, residue mobility, and thermodynamic stability) indicates that this missense variant is not expected to disrupt CACNA1H protein function with a negative predictive value of 80%. In summary, the available evidence is currently insufficient to determine the role of this variant in disease. Therefore, it has been classified as a Variant of Uncertain Significance.

PreventionGenetics, part of Exact Sciences
Classification: Uncertain significance for CACNA1H-related condition. Last evaluated: 2025-05-22. Review status: criteria provided, single submitter. Criteria: ACMG Guidelines, 2015. Collection method: clinical testing. Allele origin: germline.
Comment: The CACNA1H c.6547A>G variant is predicted to result in the amino acid substitution p.Arg2183Gly. To our knowledge, this variant has not been reported in the literature or in a large population database (gnomAD), indicating this variant is rare. At this time, the clinical significance of this variant is uncertain due to the absence of conclusive functional and genetic evidence.

Ambry Genetics
Classification: Uncertain significance for Inborn genetic diseases. Last evaluated: 2024-08-01. Review status: criteria provided, single submitter. Criteria: Ambry Variant Classification Scheme 2023. Collection method: clinical testing. Allele origin: germline.

GeneDx
Classification: Uncertain significance. Last evaluated: 2022-12-13. Review status: criteria provided, single submitter. Criteria: GeneDx Variant Classification Process June 2021. Collection method: clinical testing. Allele origin: germline. Affected: yes.
Comment: Not observed at significant frequency in large population cohorts (gnomAD); In silico analysis supports that this missense variant has a deleterious effect on protein structure/function; Has not been previously published as pathogenic or benign to our knowledge